The following is an entry in ClinVar:

ClinVar aggregate classification (germline): Uncertain significance (1 of 4 stars; one submission).

Submission:

Genetic Services Laboratory, University of Chicago
Classification: Uncertain significance. Last evaluated: 2021-05-26. Review status: criteria provided, single submitter. Criteria: ACMG Guidelines, 2015. Collection method: clinical testing. Allele origin: germline. Affected: no.
Comment: DNA sequence analysis of the TERT gene demonstrated a sequence change in the 5√¢‚Ç¨‚Ñ¢UTR, c.-192T>C. This sequence change has not been described in known population databases. This sequence change is not clearly predicted to have a deleterious effect on splicing based on in silico splice prediction programs. This change does not appear to have been previously described in patients with TERT-related disorders. It is possible that this sequence change represents a benign sequence change in the TERT gene that has not been identified to date. The functional significance of this sequence change is not known at present and its contribution to this patient's disease phenotype cannot definitively be determined.

NM_198253.2(TERT):c.-192T>C

Genes: TERT (telomerase reverse transcriptase; minus strand), LOC110806263 (TERT 5' regulatory region; plus strand). Cytogenetic location: 5p15.33.
Variant type: single nucleotide variant.
Coding change: c.-192T>C on transcript NM_198253.2; 192 bases upstream of the start codon, T replaced by C.
Genome position (GRCh38, 1-based): chr5:1,295,181, A>G on the plus strand (T>C on the coding strand, the complement: TERT is on the minus strand). VCF-style: chr5-1295181-A-G. GRCh37 (hg19) VCF-style: chr5-1295296-A-G.
Identifiers: ClinVar variation 1337935 (VCV001337935.5), dbSNP rs2126694798, ClinGen allele CA2573052423.